The following is an entry in ClinVar:

ClinVar aggregate classification (germline): Uncertain significance (1 of 4 stars; one submission).

Conditions:
Acrocallosal syndrome (ACLS). Also called: Schinzel syndrome 1; Absence of corpus callosum with unusual facial appearance, mental deficiency, duplication of the halluces and polydactyly; HALLUX DUPLICATION, POSTAXIAL POLYDACTYLY, AND ABSENCE OF CORPUS CALLOSUM. Identifiers: Orphanet 36, MedGen C0796147, MONDO:0008708, OMIM 200990.

Submission:

Labcorp Genetics (formerly Invitae), Labcorp
Classification: Uncertain significance for Acrocallosal syndrome. Last evaluated: 2023-08-10. Review status: criteria provided, single submitter. Criteria: Invitae Variant Classification Sherloc (09022015). Collection method: clinical testing. Allele origin: germline.
Comment: In summary, the available evidence is currently insufficient to determine the role of this variant in disease. Therefore, it has been classified as a Variant of Uncertain Significance. This sequence change replaces glycine, which is neutral and non-polar, with aspartic acid, which is acidic and polar, at codon 778 of the KIF7 protein (p.Gly778Asp). This variant is not present in population databases (gnomAD no frequency). This variant has not been reported in the literature in individuals affected with KIF7-related conditions. ClinVar contains an entry for this variant (Variation ID: 1953899). Advanced modeling of protein sequence and biophysical properties (such as structural, functional, and spatial information, amino acid conservation, physicochemical variation, residue mobility, and thermodynamic stability) performed at Invitae indicates that this missense variant is not expected to disrupt KIF7 protein function.

NM_198525.3(KIF7):c.2333G>A (p.Gly778Asp)

Gene: KIF7 (kinesin family member 7; minus strand). Cytogenetic location: 15q26.1.
Variant type: single nucleotide variant.
Coding change: c.2333G>A on transcript NM_198525.3 (MANE Select); coding-DNA position 2333, G replaced by A.
Protein change: p.Gly778Asp; replaces glycine 778 with aspartic acid.
Molecular consequence: missense variant.
Genome position (GRCh38, 1-based): chr15:89,642,264, C>T on the plus strand (G>A on the coding strand, the complement: KIF7 is on the minus strand). VCF-style: chr15-89642264-C-T. GRCh37 (hg19) VCF-style: chr15-90185495-C-T.
Other names: short protein forms G778D.
Identifiers: ClinVar variation 1953899 (VCV001953899.3), dbSNP rs1963936388, ClinGen allele CA393761440.